The following is an entry in ClinVar:

ClinVar aggregate classification (germline): Uncertain significance (1 of 4 stars; one submission).

Conditions:
Acrocallosal syndrome (ACLS). Also called: Schinzel syndrome 1; Absence of corpus callosum with unusual facial appearance, mental deficiency, duplication of the halluces and polydactyly; HALLUX DUPLICATION, POSTAXIAL POLYDACTYLY, AND ABSENCE OF CORPUS CALLOSUM. Identifiers: Orphanet 36, MedGen C0796147, MONDO:0008708, OMIM 200990.

Submission:

Labcorp Genetics (formerly Invitae), Labcorp
Classification: Uncertain significance for Acrocallosal syndrome. Last evaluated: 2023-09-03. Review status: criteria provided, single submitter. Criteria: Invitae Variant Classification Sherloc (09022015). Collection method: clinical testing. Allele origin: germline.
Comment: ClinVar contains an entry for this variant (Variation ID: 1413817). In summary, the available evidence is currently insufficient to determine the role of this variant in disease. Therefore, it has been classified as a Variant of Uncertain Significance. This variant has not been reported in the literature in individuals affected with KIF7-related conditions. This variant is present in population databases (rs745819291, gnomAD 0.03%). This sequence change falls in intron 14 of the KIF7 gene. It does not directly change the encoded amino acid sequence of the KIF7 protein.

NM_198525.3(KIF7):c.2895+17_2895+31del

Gene: KIF7 (kinesin family member 7; minus strand). Cytogenetic location: 15q26.1.
Variant type: Deletion.
Coding change: c.2895+17_2895+31del on transcript NM_198525.3 (MANE Select); bases 17 to 31 of the intron after coding-DNA position 2895, 15 bases deleted (AGAGATCCTGCCAGG).
Molecular consequence: intron variant.
Genome position (GRCh38, 1-based): chr15:89,632,789-89,632,803, CCTGGCAGGATCTCT deleted on the plus strand (AGAGATCCTGCCAGG on the coding strand, the reverse complement: KIF7 is on the minus strand); deleting any 15 consecutive bases within chr15:89,632,789-89,632,812 gives the same sequence; the c. name uses the placement nearest the transcript's 3' end. VCF-style (leftmost placement, unchanged base first): chr15-89632788-ACCTGGCAGGATCTCT-A. GRCh37 (hg19) VCF-style: chr15-90176019-ACCTGGCAGGATCTCT-A.
Identifiers: ClinVar variation 1413817 (VCV001413817.4), dbSNP rs371062109, ClinGen allele CA7727902.